The following is an entry in ClinVar:

NM_001008537.3(NEXMIF):c.3647C>T (p.Ser1216Phe)

Gene: NEXMIF (neurite extension and migration factor; minus strand). Cytogenetic location: Xq13.3.
Variant type: single nucleotide variant.
Coding change: c.3647C>T on transcript NM_001008537.3 (MANE Select); coding-DNA position 3647, C replaced by T.
Protein change: p.Ser1216Phe; replaces serine 1216 with phenylalanine.
Molecular consequence: missense variant.
Genome position (GRCh38, 1-based): chrX:74,740,910, G>A on the plus strand (C>T on the coding strand, the complement: NEXMIF is on the minus strand). VCF-style: chrX-74740910-G-A. GRCh37 (hg19) VCF-style: chrX-73960745-G-A.
Other names: short protein forms S1216F.
Identifiers: ClinVar variation 4725021 (VCV004725021.1).

ClinVar aggregate classification (germline): Uncertain significance (1 of 4 stars; one submission).

Submission:

Labcorp Genetics (formerly Invitae), Labcorp
Classification: Uncertain significance. Last evaluated: 2025-08-08. Review status: criteria provided, single submitter. Criteria: Invitae Variant Classification Sherloc (09022015). Collection method: clinical testing. Allele origin: germline.
Comment: This sequence change replaces serine, which is neutral and polar, with phenylalanine, which is neutral and non-polar, at codon 1216 of the NEXMIF protein (p.Ser1216Phe). This variant is not present in population databases (gnomAD no frequency). This variant has not been reported in the literature in individuals affected with NEXMIF-related conditions. An algorithm developed to predict the effect of missense changes on protein structure and function outputs the following: PolyPhen-2: "Benign". The phenylalanine amino acid residue is found in multiple mammalian species, which suggests that this missense change does not adversely affect protein function. In summary, the available evidence is currently insufficient to determine the role of this variant in disease. Therefore, it has been classified as a Variant of Uncertain Significance.